The following is an entry in ClinVar:

NM_001031689.3(PLAA):c.191A>G (p.His64Arg)

Gene: PLAA (phospholipase A2 activating protein; minus strand). Cytogenetic location: 9p21.2.
Variant type: single nucleotide variant.
Coding change: c.191A>G on transcript NM_001031689.3 (MANE Select); coding-DNA position 191, A replaced by G.
Protein change: p.His64Arg; replaces histidine 64 with arginine.
Molecular consequence: missense variant.
Genome position (GRCh38, 1-based): chr9:26,935,165, T>C on the plus strand (A>G on the coding strand, the complement: PLAA is on the minus strand). VCF-style: chr9-26935165-T-C. GRCh37 (hg19) VCF-style: chr9-26935163-T-C.
Other names: c.191A>G, p.His64Arg (NM_001321546.2); short protein forms H64R.
Identifiers: ClinVar variation 2114399 (VCV002114399.1), dbSNP rs745736768, ClinGen allele CA5014702.

ClinVar aggregate classification (germline): Uncertain significance (1 of 4 stars; one submission).

Allele frequency attached by ClinVar (database versions not stated): TOPMed below 0.00001; ExAC 0.00001; gnomAD 0.00001; gnomAD exomes 0.00001.
gnomAD v4.1: 5 of 1,596,510 alleles (0.00031%); highest among the groups gnomAD compares: Non-Finnish European, 0.00043%; no homozygotes.

Submission:

Labcorp Genetics (formerly Invitae), Labcorp
Classification: Uncertain significance. Last evaluated: 2022-03-19. Review status: criteria provided, single submitter. Criteria: Invitae Variant Classification Sherloc (09022015). Collection method: clinical testing. Allele origin: germline.
Comment: This sequence change replaces histidine, which is basic and polar, with arginine, which is basic and polar, at codon 64 of the PLAA protein (p.His64Arg). This variant is present in population databases (rs745736768, gnomAD 0.002%). This variant has not been reported in the literature in individuals affected with PLAA-related conditions. Algorithms developed to predict the effect of missense changes on protein structure and function are either unavailable or do not agree on the potential impact of this missense change (SIFT: "Tolerated"; PolyPhen-2: "Probably Damaging"; Align-GVGD: "Class C0"). In summary, the available evidence is currently insufficient to determine the role of this variant in disease. Therefore, it has been classified as a Variant of Uncertain Significance.